The following is an entry in ClinVar:

ClinVar aggregate classification (germline): Pathogenic (1 of 4 stars; one submission).

Submission:

GeneDx
Classification: Pathogenic. Last evaluated: 2022-02-28. Review status: criteria provided, single submitter. Criteria: GeneDx Variant Classification Process June 2021. Collection method: clinical testing. Allele origin: germline. Affected: yes.
Comment: Frameshift variant predicted to result in protein truncation or nonsense mediated decay in a gene for which loss-of-function is a known mechanism of disease; Not observed at significant frequency in large population cohorts (gnomAD); This variant is associated with the following publications: (PMID: 27605097)

NM_013275.6(ANKRD11):c.3774_3775del (p.Lys1259fs)

Gene: ANKRD11 (ankyrin repeat domain containing 11; minus strand). Cytogenetic location: 16q24.3.
Variant type: Microsatellite.
Coding change: c.3774_3775del on transcript NM_013275.6 (MANE Select); coding-DNA positions 3774 to 3775, 2 bases deleted (GA; older notation c.3774_3775delGA).
Protein change: p.Lys1259fs; shifts the reading frame from lysine 1259.
Molecular consequence: frameshift variant.
Genome position (GRCh38, 1-based): chr16:89,282,767-89,282,768, TC deleted on the plus strand (GA on the coding strand, the reverse complement: ANKRD11 is on the minus strand); deleting any 2 consecutive bases within chr16:89,282,767-89,282,771 gives the same sequence; the c. name uses the placement nearest the transcript's 3' end. VCF-style (leftmost placement, unchanged base first): chr16-89282766-TTC-T. GRCh37 (hg19) VCF-style: chr16-89349174-TTC-T.
Other names: c.3774_3775del, p.Lys1259fs (NM_001256182.2, NM_001256183.2); short protein forms K1259fs.
Identifiers: ClinVar variation 1703951 (VCV001703951.2), dbSNP rs2544235786, ClinGen allele CA2580613978.